The following is an entry in ClinVar:

NM_006059.4(LAMC3):c.1411C>A (p.Pro471Thr)

Gene: LAMC3 (laminin subunit gamma 3; plus strand). Cytogenetic location: 9q34.12.
Variant type: single nucleotide variant.
Coding change: c.1411C>A on transcript NM_006059.4 (MANE Select); coding-DNA position 1411, C replaced by A.
Protein change: p.Pro471Thr; replaces proline 471 with threonine.
Molecular consequence: missense variant.
Genome position (GRCh38, 1-based): chr9:131,045,552, C>A. VCF-style: chr9-131045552-C-A. GRCh37 (hg19) VCF-style: chr9-133920939-C-A.
Other names: c.1411C>A (NM_006059.3); short protein forms P471T.
Identifiers: ClinVar variation 1365339 (VCV001365339.5), dbSNP rs150066772, ClinGen allele CA5287085.

ClinVar aggregate classification (germline): Uncertain significance. Review status: criteria provided, multiple submitters, no conflicts (2 of 4 stars). 2 submissions from 2 submitters: Uncertain significance (2). Last evaluated 2024-12-02.

Conditions:
Inborn genetic diseases. Identifiers: MedGen C0950123, MeSH D030342.

Allele frequency attached by ClinVar (database versions not stated): 1000 Genomes Project 30x 0.00016; 1000 Genomes Project 0.00020; gnomAD exomes 0.00020; ExAC 0.00026; gnomAD 0.00027 and 0.00029; TOPMed 0.00034; ESP Exome Variant Server 0.00046.
gnomAD v4.1: 132 of 1,613,974 alleles (0.0082%); highest among the groups gnomAD compares: African/African-American, 0.061%; no homozygotes.

Submissions (2):

Labcorp Genetics (formerly Invitae), Labcorp
Classification: Uncertain significance. Last evaluated: 2024-12-02. Review status: criteria provided, single submitter. Criteria: Invitae Variant Classification Sherloc (09022015). Collection method: clinical testing. Allele origin: germline.
Comment: This sequence change replaces proline, which is neutral and non-polar, with threonine, which is neutral and polar, at codon 471 of the LAMC3 protein (p.Pro471Thr). This variant is present in population databases (rs150066772, gnomAD 0.05%). This variant has not been reported in the literature in individuals affected with LAMC3-related conditions. ClinVar contains an entry for this variant (Variation ID: 1365339). An algorithm developed to predict the effect of missense changes on protein structure and function (PolyPhen-2) suggests that this variant¬†is likely to be tolerated. In summary, the available evidence is currently insufficient to determine the role of this variant in disease. Therefore, it has been classified as a Variant of Uncertain Significance.

Ambry Genetics
Classification: Uncertain significance for Inborn genetic diseases. Last evaluated: 2022-10-18. Review status: criteria provided, single submitter. Criteria: Ambry Variant Classification Scheme 2023. Collection method: clinical testing. Allele origin: germline.